The following is an entry in ClinVar:

NM_005120.3(MED12):c.2613G>A (p.Gln871=)

Gene: MED12 (mediator complex subunit 12; plus strand). Cytogenetic location: Xq13.1.
Variant type: single nucleotide variant.
Coding change: c.2613G>A on transcript NM_005120.3 (MANE Select); coding-DNA position 2613, G replaced by A.
Protein change: p.Gln871=; no amino-acid change (glutamine 871 retained).
Molecular consequence: synonymous variant.
Genome position (GRCh38, 1-based): chrX:71,126,412, G>A. VCF-style: chrX-71126412-G-A. GRCh37 (hg19) VCF-style: chrX-70346262-G-A.
Identifiers: ClinVar variation 498668 (VCV000498668.47), dbSNP rs372344160, ClinGen allele CA10444381.

ClinVar aggregate classification (germline): Conflicting classifications of pathogenicity. Review status: criteria provided, conflicting classifications (1 of 4 stars). 8 submissions from 8 submitters: Uncertain significance (1); Benign (2); Likely benign (2). 3 of the submissions do not count toward it. Last evaluated 2025-12-20.

Conditions:
MED12-Related Disorders. Also called: MED12-related condition; MED12-related disorder. Identifiers: MedGen CN381102.
FG syndrome (FGS). Identifiers: MedGen C0220769, MONDO:0002010.
Familial thoracic aortic aneurysm and aortic dissection (TAAD). Also called: Thoracic aortic aneurysms and dissections. Identifiers: Orphanet 91387, MedGen C4707243, MONDO:0019625.

Allele frequency attached by ClinVar (database versions not stated): gnomAD exomes 0.00004 and 0.00014; ESP Exome Variant Server 0.00010; ExAC 0.00018; gnomAD 0.00043 and 0.00047; TOPMed 0.00060; 1000 Genomes Project 0.00079; 1000 Genomes Project 30x 0.00083.
gnomAD v4.1: 97 of 1,210,507 alleles (0.008%); highest among the groups gnomAD compares: African/African-American, 0.14%; no homozygotes.

Submissions (8):

Labcorp Genetics (formerly Invitae), Labcorp
Classification: Benign for FG syndrome. Last evaluated: 2025-12-20. Review status: criteria provided, single submitter. Criteria: Invitae Variant Classification Sherloc (09022015). Collection method: clinical testing. Allele origin: germline.

CeGaT Center for Human Genetics Tuebingen
Classification: Likely benign. Last evaluated: 2022-09-01. Review status: criteria provided, single submitter. Criteria: CeGaT Center For Human Genetics Tuebingen Variant Classification Criteria Version 2. Collection method: clinical testing. Allele origin: germline. Affected: yes. Observed: 1 variant allele.
Comment: MED12: BP4, BS2

GeneDx
Classification: Benign. Last evaluated: 2020-10-01. Review status: criteria provided, single submitter. Criteria: GeneDx Variant Classification (06012015). Collection method: clinical testing. Allele origin: germline. Affected: yes.

Ambry Genetics
Classification: Likely benign for Familial thoracic aortic aneurysm and aortic dissection. Last evaluated: 2017-01-16. Review status: criteria provided, single submitter. Criteria: Ambry Variant Classification Scheme 2023. Collection method: clinical testing. Allele origin: germline.

Eurofins Ntd Llc (ga)
Classification: Uncertain significance. Last evaluated: 2016-12-28. Review status: criteria provided, single submitter. Criteria: EGL Classification Definitions 2015. Collection method: clinical testing. Allele origin: germline. Observed: 1 variant allele, 1 heterozygote.

PreventionGenetics, part of Exact Sciences
Classification: Likely benign for MED12-related condition. Last evaluated: 2020-04-29. Review status: no assertion criteria provided. Collection method: clinical testing. Allele origin: germline. Not counted in ClinVar's aggregate classification.
Comment: This variant is classified as likely benign based on ACMG/AMP sequence variant interpretation guidelines (Richards et al. 2015 PMID: 25741868, with internal and published modifications).

Clinical Genetics DNA and cytogenetics Diagnostics Lab, Erasmus MC, Erasmus Medical Center
Classification: Likely benign. Review status: no assertion criteria provided. Collection method: clinical testing. Allele origin: germline. Affected: yes. Study: VKGL Data-share Consensus. Not counted in ClinVar's aggregate classification.

Genome Diagnostics Laboratory, University Medical Center Utrecht
Classification: Likely benign. Review status: no assertion criteria provided. Collection method: clinical testing. Allele origin: germline. Affected: yes. Study: VKGL Data-share Consensus. Not counted in ClinVar's aggregate classification.